The following is an entry in ClinVar:

NM_000742.4(CHRNA2):c.476A>G (p.His159Arg)

Gene: CHRNA2 (cholinergic receptor nicotinic alpha 2 subunit; minus strand). Cytogenetic location: 8p21.2.
Variant type: single nucleotide variant.
Coding change: c.476A>G on transcript NM_000742.4 (MANE Select); coding-DNA position 476, A replaced by G.
Protein change: p.His159Arg; replaces histidine 159 with arginine.
Molecular consequence: missense variant. On other transcripts: 5 prime UTR variant (2), intron variant (2).
Genome position (GRCh38, 1-based): chr8:27,463,967, T>C on the plus strand (A>G on the coding strand, the complement: CHRNA2 is on the minus strand). VCF-style: chr8-27463967-T-C. GRCh37 (hg19) VCF-style: chr8-27321484-T-C.
Other names: c.431A>G, p.His144Arg (NM_001282455.2); c.-2A>G (NM_001347705.2, NM_001347706.2); c.-12-107A>G (NM_001347708.2); c.-9-110A>G (NM_001347707.2); short protein forms H144R, H159R.
Identifiers: ClinVar variation 860406 (VCV000860406.1), dbSNP rs1812618288, ClinGen allele CA370811525.

ClinVar aggregate classification (germline): Uncertain significance (1 of 4 stars; one submission).

Conditions:
Familial sleep-related hypermotor epilepsy. Also called: Autosomal Dominant Sleep-Related Hypermotor (Hyperkinetic) Epilepsy. Identifiers: Orphanet 98784, MedGen C3696898, MONDO:0000030.

Allele frequency attached by ClinVar (database versions not stated): gnomAD exomes below 0.00001.

Submission:

Labcorp Genetics (formerly Invitae), Labcorp
Classification: Uncertain significance. Last evaluated: 2019-02-01. Review status: criteria provided, single submitter. Criteria: Invitae Variant Classification Sherloc (09022015). Collection method: clinical testing. Allele origin: germline.
Comment: This sequence change replaces histidine with arginine at codon 159 of the CHRNA2 protein (p.His159Arg). The histidine residue is highly conserved and there is a small physicochemical difference between histidine and arginine. This variant is not present in population databases (ExAC no frequency). This variant has not been reported in the literature in individuals with CHRNA2-related conditions. Algorithms developed to predict the effect of missense changes on protein structure and function are either unavailable or do not agree on the potential impact of this missense change (SIFT: "Deleterious"; PolyPhen-2: "Probably Damaging"; Align-GVGD: "Class C0"). In summary, the available evidence is currently insufficient to determine the role of this variant in disease. Therefore, it has been classified as a Variant of Uncertain Significance.